The following is an entry in ClinVar:

NM_005475.3(SH2B3):c.191C>G (p.Ser64Trp)

Gene: SH2B3 (SH2B adaptor protein 3; plus strand). Cytogenetic location: 12q24.12.
Variant type: single nucleotide variant.
Coding change: c.191C>G on transcript NM_005475.3 (MANE Select); coding-DNA position 191, C replaced by G.
Protein change: p.Ser64Trp; replaces serine 64 with tryptophan.
Molecular consequence: missense variant.
Genome position (GRCh38, 1-based): chr12:111,418,336, C>G. VCF-style: chr12-111418336-C-G. GRCh37 (hg19) VCF-style: chr12-111856140-C-G.
Other names: short protein forms S64W.
Identifiers: ClinVar variation 4864386 (VCV004864386.1).

ClinVar aggregate classification (germline): Uncertain significance (1 of 4 stars; one submission).

Conditions:
Inborn genetic diseases. Identifiers: MedGen C0950123, MeSH D030342.

Submission:

Ambry Genetics
Classification: Uncertain significance for Inborn genetic diseases. Last evaluated: 2026-03-17. Review status: criteria provided, single submitter. Criteria: Ambry Variant Classification Scheme 2023. Collection method: clinical testing. Allele origin: germline.
Comment: The p.S64W variant (also known as c.191C>G), located in coding exon 1 of the SH2B3 gene, results from a C to G substitution at nucleotide position 191. The serine at codon 64 is replaced by tryptophan, an amino acid with highly dissimilar properties. This amino acid position is conserved. In addition, the in silico prediction for this alteration is inconclusive. Based on the available evidence, the clinical significance of this variant remains unclear.